The following is an entry in ClinVar:

ClinVar aggregate classification (germline): Uncertain significance (1 of 4 stars; one submission).

Submission:

Medical Genetic Center, Changzhi Maternal and Child Health Care Hospital
Classification: Uncertain significance. Last evaluated: 2025-12-10. Review status: criteria provided, single submitter. Criteria: ACMG/ClinGen CNV Guidelines, 2019. Collection method: clinical testing. Allele origin: unknown.

GRCh38/hg38 20p12.3(chr20:8119584-8585360)x1

Genes: PLCB1 (phospholipase C beta 1; plus strand), PLCB1-IT1 (PLCB1 intronic transcript 1; plus strand), LOC111365189 (HNF1, HNF4 and FOXA motif-containing MPRA enhancers 45, 51 and 106/107; plus strand), LOC126862967 (MED14-independent group 3 enhancer GRCh37_chr20:8444621-8445820; plus strand), LOC130065408 (ATAC-STARR-seq lymphoblastoid silent region 12668; plus strand) and 1 more. Cytogenetic location: 20p12.3.
Variant type: copy number loss.
Change: copy number 1 (one copy instead of two) of chr20:8,119,584-8,585,360 (465.8 kb, GRCh38 coordinates, 1-based), cytogenetic band 20p12.3.
Identifiers: ClinVar variation 4796464 (VCV004796464.1).